The following is an entry in ClinVar:

NM_001042681.2(RERE):c.3593G>A (p.Arg1198Gln)

Gene: RERE (arginine-glutamic acid dipeptide repeats; minus strand). Cytogenetic location: 1p36.23.
Variant type: single nucleotide variant.
Coding change: c.3593G>A on transcript NM_001042681.2 (MANE Select); coding-DNA position 3593, G replaced by A.
Protein change: p.Arg1198Gln; replaces arginine 1198 with glutamine.
Molecular consequence: missense variant.
Genome position (GRCh38, 1-based): chr1:8,359,789, C>T on the plus strand (G>A on the coding strand, the complement: RERE is on the minus strand). VCF-style: chr1-8359789-C-T. GRCh37 (hg19) VCF-style: chr1-8419849-C-T.
Other names: c.3593G>A (NM_012102.3); c.1931G>A, p.Arg644Gln (NM_001042682.2); c.3593G>A, p.Arg1198Gln (NM_012102.4); short protein forms R1198Q, R644Q.
Identifiers: ClinVar variation 1927133 (VCV001927133.6), dbSNP rs760644002, ClinGen allele CA571091.
Genomic context (GRCh38, chr1:8,359,789, plus strand): 5'-CGCCCCCCGTCACACCTCGCCAACCCTGGACTCACAGCCGCCCGCTCTGCCTCGCGCTCC[C>T]GCTCTCGCTCCCGCTCCCGCTCCTTCTCCTTCTCCTTCTCCCGCTCTCGCTCCTCTCGGG-3'
Protein context (NP_001036146.1, residues 1188-1208): KEKERERERE[Arg1198Gln]EREAERAAKA

ClinVar aggregate classification (germline): Conflicting classifications of pathogenicity. Review status: criteria provided, conflicting classifications (1 of 4 stars). 2 submissions from 2 submitters: Uncertain significance (1); Likely benign (1). Last evaluated 2024-05-06.

Conditions:
Inborn genetic diseases. Identifiers: MedGen C0950123, MeSH D030342.

gnomAD v4.1: 114 of 1,601,280 alleles (0.0071%); highest among the groups gnomAD compares: Non-Finnish European, 0.0081%; no homozygotes.

Submissions (2):

Ambry Genetics
Classification: Likely benign for Inborn genetic diseases. Last evaluated: 2024-05-06. Review status: criteria provided, single submitter. Criteria: Ambry Variant Classification Scheme 2023. Collection method: clinical testing. Allele origin: germline.

Labcorp Genetics (formerly Invitae), Labcorp
Classification: Uncertain significance. Last evaluated: 2022-03-24. Review status: criteria provided, single submitter. Criteria: Invitae Variant Classification Sherloc (09022015). Collection method: clinical testing. Allele origin: germline.
Comment: This sequence change replaces arginine, which is basic and polar, with glutamine, which is neutral and polar, at codon 1198 of the RERE protein (p.Arg1198Gln). In summary, the available evidence is currently insufficient to determine the role of this variant in disease. Therefore, it has been classified as a Variant of Uncertain Significance. Advanced modeling of protein sequence and biophysical properties (such as structural, functional, and spatial information, amino acid conservation, physicochemical variation, residue mobility, and thermodynamic stability) performed at Invitae indicates that this missense variant is not expected to disrupt RERE protein function. This variant has not been reported in the literature in individuals affected with RERE-related conditions. The frequency data for this variant in the population databases is considered unreliable, as metrics indicate poor data quality at this position in the gnomAD database.